The following is an entry in ClinVar:

ClinVar aggregate classification (germline): Uncertain significance (1 of 4 stars; one submission).

Submission:

Ambry Genetics
Classification: Uncertain significance. Last evaluated: 2022-10-20. Review status: criteria provided, single submitter. Criteria: Ambry Variant Classification Scheme 2023. Collection method: clinical testing. Allele origin: germline.
Comment: The p.E82K variant (also known as c.244G>A), located in coding exon 4 of the FAM175A gene, results from a G to A substitution at nucleotide position 244. The glutamic acid at codon 82 is replaced by lysine, an amino acid with similar properties. This amino acid position is conserved. In addition, this alteration is predicted to be tolerated by in silico analysis. Since supporting evidence is limited at this time, the clinical significance of this alteration remains unclear.

NM_139076.3(ABRAXAS1):c.244G>A (p.Glu82Lys)

Gene: ABRAXAS1 (abraxas 1, BRCA1 A complex subunit; minus strand). Cytogenetic location: 4q21.23.
Variant type: single nucleotide variant.
Coding change: c.244G>A on transcript NM_139076.3 (MANE Select); coding-DNA position 244, G replaced by A.
Protein change: p.Glu82Lys; replaces glutamic acid 82 with lysine.
Molecular consequence: missense variant. On other transcripts: intron variant (1).
Genome position (GRCh38, 1-based): chr4:83,472,260, C>T on the plus strand (G>A on the coding strand, the complement: ABRAXAS1 is on the minus strand). VCF-style: chr4-83472260-C-T. GRCh37 (hg19) VCF-style: chr4-84393413-C-T.
Other names: c.-45-1864G>A (NM_001345962.2); short protein forms E82K.
Identifiers: ClinVar variation 1800055 (VCV001800055.2), dbSNP rs2529443183, ClinGen allele CA357261103.